The following is an entry in ClinVar:

NM_004281.4(BAG3):c.1141T>C (p.Ser381Pro)

Gene: BAG3 (BAG cochaperone 3; plus strand). Cytogenetic location: 10q26.11.
Variant type: single nucleotide variant.
Coding change: c.1141T>C on transcript NM_004281.4 (MANE Select); coding-DNA position 1141, T replaced by C.
Protein change: p.Ser381Pro; replaces serine 381 with proline.
Molecular consequence: missense variant.
Genome position (GRCh38, 1-based): chr10:119,676,695, T>C. VCF-style: chr10-119676695-T-C. GRCh37 (hg19) VCF-style: chr10-121436207-T-C.
Other names: c.1141T>C (NM_004281.3); short protein forms S381P.
Identifiers: ClinVar variation 1500051 (VCV001500051.9), dbSNP rs763427403, ClinGen allele CA5716492.
Genomic context (GRCh38, chr10:119,676,695, plus strand): 5'-AAGGTAGAGGTGAAAGTTCCCCCTGCTCCAGTTCCTTGTCCTCCTCCCAGCCCTGGCCCT[T>C]CTGCTGTCCCCTCTTCCCCCAAGAGTGTGGCTACAGAAGAGAGGGCAGCCCCCAGCACTG-3'
Protein context (NP_004272.2, residues 371-391): VPCPPPSPGP[Ser381Pro]AVPSSPKSVA

ClinVar aggregate classification (germline): Uncertain significance. Review status: criteria provided, multiple submitters, no conflicts (2 of 4 stars). 2 submissions from 2 submitters: Uncertain significance (2). Last evaluated 2026-04-07.

Conditions:
Myofibrillar myopathy 6. Identifiers: Orphanet 199340, MedGen C2751831, MONDO:0013061, OMIM 612954.
Dilated cardiomyopathy 1HH (CMD1HH). Identifiers: Orphanet 154, MedGen C3151293, MONDO:0013479, OMIM 613881.

Allele frequency attached by ClinVar (database versions not stated): gnomAD exomes 0.00001; ExAC 0.00002.
gnomAD v4.1: 3 of 1,614,132 alleles (0.00019%); highest among the groups gnomAD compares: Non-Finnish European, 0.00025%; no homozygotes.

Submissions (2):

GeneDx
Classification: Uncertain significance. Last evaluated: 2026-04-07. Review status: criteria provided, single submitter. Criteria: GeneDx Variant Classification Process June 2021. Collection method: clinical testing. Allele origin: germline.
Comment: Not observed at significant frequency in large population cohorts (gnomAD); In silico analysis suggests that this missense variant does not alter protein structure/function; Has not been previously published as pathogenic or benign to our knowledge; This variant is associated with the following publications: (PMID: 20001957)

Labcorp Genetics (formerly Invitae), Labcorp
Classification: Uncertain significance for Dilated cardiomyopathy 1HH; Myofibrillar myopathy 6. Last evaluated: 2021-06-19. Review status: criteria provided, single submitter. Criteria: Invitae Variant Classification Sherloc (09022015). Collection method: clinical testing. Allele origin: germline.
Comment: In summary, the available evidence is currently insufficient to determine the role of this variant in disease. Therefore, it has been classified as a Variant of Uncertain Significance. Algorithms developed to predict the effect of missense changes on protein structure and function output the following: SIFT: "Tolerated"; PolyPhen-2: "Benign"; Align-GVGD: "Class C0". The proline amino acid residue is found in multiple mammalian species, suggesting that this missense change does not adversely affect protein function. These predictions have not been confirmed by published functional studies and their clinical significance is uncertain. This variant has not been reported in the literature in individuals with BAG3-related conditions. This variant is present in population databases (rs763427403, ExAC 0.003%). This sequence change replaces serine with proline at codon 381 of the BAG3 protein (p.Ser381Pro). The serine residue is weakly conserved and there is a moderate physicochemical difference between serine and proline.